The following is an entry in ClinVar:

NM_080680.3(COL11A2):c.5070+6A>T

Gene: COL11A2 (collagen type XI alpha 2 chain; minus strand). Cytogenetic location: 6p21.32.
Variant type: single nucleotide variant.
Coding change: c.5070+6A>T on transcript NM_080680.3 (MANE Select); 6 bases into the intron after coding-DNA position 5070, A replaced by T.
Molecular consequence: intron variant.
Genome position (GRCh38, 1-based): chr6:33,164,261, T>A on the plus strand (A>T on the coding strand, the complement: COL11A2 is on the minus strand). VCF-style: chr6-33164261-T-A. GRCh37 (hg19) VCF-style: chr6-33132038-T-A.
Other names: c.4749+6A>T (NM_080679.3); c.4812+6A>T (NM_080681.3).
Identifiers: ClinVar variation 2138205 (VCV002138205.1), dbSNP rs750861509, ClinGen allele CA3749928.

ClinVar aggregate classification (germline): Uncertain significance (1 of 4 stars; one submission).

Allele frequency attached by ClinVar (database versions not stated): TOPMed below 0.00001; gnomAD exomes 0.00001; ExAC 0.00004.
gnomAD v4.1: 14 of 1,612,848 alleles (0.00087%); highest among the groups gnomAD compares: East Asian, 0.031%; no homozygotes.

Submission:

Labcorp Genetics (formerly Invitae), Labcorp
Classification: Uncertain significance. Last evaluated: 2022-07-17. Review status: criteria provided, single submitter. Criteria: Invitae Variant Classification Sherloc (09022015). Collection method: clinical testing. Allele origin: germline.
Comment: This sequence change falls in intron 65 of the COL11A2 gene. It does not directly change the encoded amino acid sequence of the COL11A2 protein. It affects a nucleotide within the consensus splice site. This variant is present in population databases (rs750861509, gnomAD 0.05%). This variant has not been reported in the literature in individuals affected with COL11A2-related conditions. Variants that disrupt the consensus splice site are a relatively common cause of aberrant splicing (PMID: 17576681, 9536098). Algorithms developed to predict the effect of sequence changes on RNA splicing suggest that this variant is not likely to affect RNA splicing. In summary, the available evidence is currently insufficient to determine the role of this variant in disease. Therefore, it has been classified as a Variant of Uncertain Significance.

Literature cited by the submitters: PubMed 17576681; PubMed 9536098.